The following is an entry in ClinVar:

ClinVar aggregate classification (germline): Likely pathogenic (1 of 4 stars; one submission).

Conditions:
Retinitis pigmentosa 25 (RP25). Identifiers: Orphanet 791, MedGen C1864446, MONDO:0011272, OMIM 602772.

gnomAD v4.1: 2 of 1,551,614 alleles (0.00013%); highest among the groups gnomAD compares: Non-Finnish European, 0.00017%; no homozygotes.

Submission:

Natera, Inc.
Classification: Likely pathogenic for Retinitis pigmentosa type 25. Last evaluated: 2025-09-29. Review status: criteria provided, single submitter. Criteria: Natera Variant Classification Schema (03/2026). Collection method: clinical testing. Allele origin: germline.
Comment: The c.7506C>A variant in EYS is a missense variant predicted to cause substitution of serine to arginine at amino acid 2502. This variant is rare in the general population with a frequency below the threshold expected for the associated phenotype(s). This variant has been observed in one or more individuals affected with the associated recessive disease, as either homozygous or compound heterozygous with a second variant (PMID: 33058741). Additionally, this variant has been observed to segregate in affected family members (PMID: 33058741). Computational prediction algorithms indicate this variant is likely to affect gene or protein function. Given the available evidence, this variant is classified as Likely Pathogenic.

Literature cited by the submitters: PubMed 33058741.

NM_001142800.2(EYS):c.7506C>A (p.Ser2502Arg)

Gene: EYS (EGF-like photoreceptor maintenance factor; minus strand). Cytogenetic location: 6q12.
Variant type: single nucleotide variant.
Coding change: c.7506C>A on transcript NM_001142800.2 (MANE Select); coding-DNA position 7506, C replaced by A.
Protein change: p.Ser2502Arg; replaces serine 2502 with arginine.
Molecular consequence: missense variant.
Genome position (GRCh38, 1-based): chr6:63,789,130, G>T on the plus strand (C>A on the coding strand, the complement: EYS is on the minus strand). VCF-style: chr6-63789130-G-T. GRCh37 (hg19) VCF-style: chr6-64499023-G-T.
Other names: c.7506C>A, p.Ser2502Arg (NM_001292009.2); short protein forms S2502R.
Identifiers: ClinVar variation 4814657 (VCV004814657.1).